The following is an entry in ClinVar:

NM_000285.4(PEPD):c.932G>A (p.Arg311Gln)

Gene: PEPD (peptidase D; minus strand). Cytogenetic location: 19q13.11.
Variant type: single nucleotide variant.
Coding change: c.932G>A on transcript NM_000285.4 (MANE Select); coding-DNA position 932, G replaced by A.
Protein change: p.Arg311Gln; replaces arginine 311 with glutamine.
Molecular consequence: missense variant.
Genome position (GRCh38, 1-based): chr19:33,401,756, C>T on the plus strand (G>A on the coding strand, the complement: PEPD is on the minus strand). VCF-style: chr19-33401756-C-T. GRCh37 (hg19) VCF-style: chr19-33892662-C-T.
Other names: c.809G>A, p.Arg270Gln (NM_001166056.2); c.740G>A, p.Arg247Gln (NM_001166057.2); short protein forms R311Q, R247Q, R270Q.
Identifiers: ClinVar variation 1397018 (VCV001397018.6), dbSNP rs1063319, ClinGen allele CA9364076.

ClinVar aggregate classification (germline): Uncertain significance. Review status: criteria provided, multiple submitters, no conflicts (2 of 4 stars). 2 submissions from 2 submitters: Uncertain significance (2). Last evaluated 2024-02-08.

Allele frequency attached by ClinVar (database versions not stated): gnomAD 0.00001; ExAC 0.00002; gnomAD exomes 0.00002 and 0.00004; TOPMed 0.00003.
gnomAD v4.1: 33 of 1,609,576 alleles (0.0021%); highest among the groups gnomAD compares: South Asian, 0.0077%; no homozygotes.

Submissions (2):

Blueprint Genetics
Classification: Uncertain significance. Last evaluated: 2024-02-08. Review status: criteria provided, single submitter. Criteria: ACMG Guidelines, 2015. Collection method: clinical testing. Allele origin: germline.

Labcorp Genetics (formerly Invitae), Labcorp
Classification: Uncertain significance. Last evaluated: 2022-09-12. Review status: criteria provided, single submitter. Criteria: Invitae Variant Classification Sherloc (09022015). Collection method: clinical testing. Allele origin: germline.
Comment: This sequence change replaces arginine, which is basic and polar, with glutamine, which is neutral and polar, at codon 311 of the PEPD protein (p.Arg311Gln). This variant is present in population databases (rs1063319, gnomAD 0.02%). This variant has not been reported in the literature in individuals affected with PEPD-related conditions. ClinVar contains an entry for this variant (Variation ID: 1397018). Advanced modeling of protein sequence and biophysical properties (such as structural, functional, and spatial information, amino acid conservation, physicochemical variation, residue mobility, and thermodynamic stability) performed at Invitae indicates that this missense variant is not expected to disrupt PEPD protein function. In summary, the available evidence is currently insufficient to determine the role of this variant in disease. Therefore, it has been classified as a Variant of Uncertain Significance.